The following is an entry in ClinVar:

NM_000179.3(MSH6):c.2253T>C (p.Asn751=)

Gene: MSH6 (mutS homolog 6; plus strand). Cytogenetic location: 2p16.3.
Variant type: single nucleotide variant.
Coding change: c.2253T>C on transcript NM_000179.3 (MANE Select); coding-DNA position 2253, T replaced by C.
Protein change: p.Asn751=; no amino-acid change (asparagine 751 retained).
Molecular consequence: synonymous variant.
Genome position (GRCh38, 1-based): chr2:47,800,236, T>C. VCF-style: chr2-47800236-T-C. GRCh37 (hg19) VCF-style: chr2-48027375-T-C.
Other names: c.1863T>C, p.Asn621= (NM_001281492.2); c.1347T>C, p.Asn449= (NM_001281493.2, NM_001281494.2).
Identifiers: ClinVar variation 36585 (VCV000036585.64), dbSNP rs2020913, ClinGen allele CA009900.

ClinVar aggregate classification (germline): Benign. Review status: reviewed by expert panel (3 of 4 stars). 23 submissions from 23 submitters: Benign (1). 22 of the submissions do not count toward it. Last evaluated 2013-09-05.

Conditions:
Hereditary cancer-predisposing syndrome. Also called: Neoplastic Syndromes, Hereditary; Tumor predisposition; Hereditary Cancer Syndrome; Hereditary neoplastic syndrome. Identifiers: Orphanet 140162, MedGen C0027672, MeSH D009386, MONDO:0015356.
Hereditary nonpolyposis colorectal neoplasms. Identifiers: MedGen C0009405, MeSH D003123.
Breast and/or ovarian cancer. Identifiers: MedGen CN221562.
Lynch syndrome. Identifiers: Orphanet 144, MedGen C4552100, MONDO:0005835. Disease mechanism: loss of function.
Lynch syndrome 5 (LYNCH5). Also called: Hereditary non-polyposis colorectal cancer, type 5; Colorectal cancer, hereditary nonpolyposis, type 5. Identifiers: Orphanet 144, MedGen C1833477, MONDO:0013710, OMIM 614350. Disease mechanism: loss of function.
Carcinoma of colon (CRC). Also called: Colonic carcinoma; Colon carcinoma. Identifiers: MedGen C0699790, MONDO:0002032.

Allele frequency attached by ClinVar (database versions not stated): gnomAD exomes 0.00181 and 0.00532; ExAC 0.00647; gnomAD 0.01882 and 0.02003; ESP Exome Variant Server 0.02053; TOPMed 0.02151; 1000 Genomes Project 0.02396; 1000 Genomes Project 30x 0.02733.
gnomAD v4.1: 5,619 of 1,614,188 alleles (0.35%); highest among the groups gnomAD compares: African/African-American, 6.5%; 203 homozygotes.

Submissions (23):

International Society for Gastrointestinal Hereditary Tumours (InSiGHT)
Classification: Benign for Lynch Syndrome. Last evaluated: 2013-09-05. Review status: reviewed by expert panel. Criteria: Guidelines v1.9. Collection method: research. Allele origin: germline.
Comment: MAF >1%

Classified with v1.9 guidelines
ClinVar note: Converted during submission from no known pathogenicity to Benign.

Labcorp Genetics (formerly Invitae), Labcorp
Classification: Benign for Hereditary nonpolyposis colorectal neoplasms. Last evaluated: 2026-02-04. Review status: criteria provided, single submitter. Criteria: Invitae Variant Classification Sherloc (09022015). Collection method: clinical testing. Allele origin: germline. Not counted in ClinVar's aggregate classification.

ARUP Laboratories, Molecular Genetics and Genomics, ARUP Laboratories
Classification: Benign. Last evaluated: 2025-05-01. Review status: criteria provided, single submitter. Criteria: ARUP Molecular Germline Variant Investigation Process 2024. Collection method: clinical testing. Allele origin: germline. Not counted in ClinVar's aggregate classification.

CeGaT Center for Human Genetics Tuebingen
Classification: Benign. Last evaluated: 2025-05-01. Review status: criteria provided, single submitter. Criteria: CeGaT Center For Human Genetics Tuebingen Variant Classification Criteria Version 2. Collection method: clinical testing. Allele origin: germline. Affected: yes. Observed: 1 variant allele. Not counted in ClinVar's aggregate classification.
Comment: MSH6: BP4, BP7, BS1, BS2

Center for Genomic Medicine, Rigshospitalet, Copenhagen University Hospital
Classification: Benign. Last evaluated: 2025-03-04. Review status: criteria provided, single submitter. Criteria: ACMG Guidelines, 2015. Collection method: clinical testing. Allele origin: germline. Not counted in ClinVar's aggregate classification.

Myriad Genetics, Inc.
Classification: Benign for Lynch syndrome 5. Last evaluated: 2024-12-30. Review status: criteria provided, single submitter. Criteria: Myriad Autosomal Dominant, Autosomal Recessive and X-Linked Classification Criteria (2023). Collection method: clinical testing. Allele origin: unknown. Not counted in ClinVar's aggregate classification.
Comment: This variant is considered benign. This variant is a silent/synonymous amino acid change and it is not expected to impact splicing.

Blueprint Genetics
Classification: Likely benign. Last evaluated: 2024-11-13. Review status: criteria provided, single submitter. Criteria: ACMG Guidelines, 2015. Collection method: clinical testing. Allele origin: germline. Not counted in ClinVar's aggregate classification.

KCCC/NGS Laboratory, Kuwait Cancer Control Center
Classification: Benign for Lynch syndrome 5. Last evaluated: 2023-07-07. Review status: criteria provided, single submitter. Criteria: ACMG Guidelines, 2015. Collection method: clinical testing. Allele origin: germline. Affected: yes. Not counted in ClinVar's aggregate classification.

CHEO Genetics Diagnostic Laboratory, Children's Hospital of Eastern Ontario
Classification: Benign for Breast and/or ovarian cancer. Last evaluated: 2021-11-18. Review status: criteria provided, single submitter. Criteria: ACMG Guidelines, 2015. Collection method: clinical testing. Allele origin: germline. Not counted in ClinVar's aggregate classification.

Illumina Laboratory Services, Illumina
Classification: Benign for Lynch syndrome 5. Last evaluated: 2018-01-13. Review status: criteria provided, single submitter. Criteria: ICSL Variant Classification Criteria 13 December 2019. Collection method: clinical testing. Allele origin: germline. Not counted in ClinVar's aggregate classification.
Comment: This variant was observed in the ICSL laboratory as part of a predisposition screen in an ostensibly healthy population. It had not been previously curated by ICSL or reported in the Human Gene Mutation Database (HGMD: prior to June 1st, 2018), and was therefore a candidate for classification through an automated scoring system. Utilizing variant allele frequency, disease prevalence and penetrance estimates, and inheritance mode, an automated score was calculated to assess if this variant is too frequent to cause the disease. Based on the score and internal cut-off values, a variant classified as benign is not then subjected to further curation. The score for this variant resulted in a classification of benign for this disease.

Color Diagnostics, LLC DBA Color Health
Classification: Benign for Hereditary cancer-predisposing syndrome. Last evaluated: 2015-04-07. Review status: criteria provided, single submitter. Criteria: ACMG Guidelines, 2015. Collection method: clinical testing. Allele origin: germline. Not counted in ClinVar's aggregate classification.

GeneDx
Classification: Benign. Last evaluated: 2015-03-03. Review status: criteria provided, single submitter. Criteria: GeneDx Variant Classification Process June 2021. Collection method: clinical testing. Allele origin: germline. Affected: yes. Not counted in ClinVar's aggregate classification.

Ambry Genetics
Classification: Benign for Hereditary cancer-predisposing syndrome. Last evaluated: 2014-11-18. Review status: criteria provided, single submitter. Criteria: Ambry Variant Classification Scheme 2023. Collection method: clinical testing. Allele origin: germline. Not counted in ClinVar's aggregate classification.

Eurofins Ntd Llc (ga)
Classification: Benign. Last evaluated: 2013-06-07. Review status: criteria provided, single submitter. Criteria: EGL Classification Definitions 2015. Collection method: clinical testing. Allele origin: germline. Observed: 3 variant alleles, 3 heterozygotes. Not counted in ClinVar's aggregate classification.

Women's Health and Genetics/Laboratory Corporation of America, LabCorp
Classification: Benign for Hereditary non-polyposis colon cancer. Last evaluated: 2011-08-18. Review status: criteria provided, single submitter. Criteria: LabCorp Variant Classification Summary - May 2015. Collection method: curation, clinical testing. Allele origin: germline. Inheritance: autosomal unknown. Affected: yes. Not counted in ClinVar's aggregate classification.
ClinVar note: Converted during submission from benign to Benign.

Breakthrough Genomics
Classification: Benign. Review status: criteria provided, single submitter. Criteria: ACMG Guidelines, 2015. Collection method: not provided. Allele origin: germline. Inheritance: Autosomal recessive inheritance. Affected: yes. Not counted in ClinVar's aggregate classification.

PreventionGenetics, part of Exact Sciences
Classification: Benign. Review status: criteria provided, single submitter. Criteria: ACMG Guidelines, 2015. Collection method: clinical testing. Allele origin: germline. Not counted in ClinVar's aggregate classification.

Genome Diagnostics Laboratory, Amsterdam University Medical Center
Classification: Benign for Lynch syndrome 5. Last evaluated: 2016-04-06. Review status: no assertion criteria provided. Criteria: ACGS Guidelines, 2013. Collection method: clinical testing. Allele origin: germline. Affected: yes. Study: VKGL Data-share Consensus. Not counted in ClinVar's aggregate classification.

Clinical Genetics, Academic Medical Center
Classification: Likely benign. Review status: no assertion criteria provided. Collection method: clinical testing. Allele origin: germline. Affected: yes. Study: VKGL Data-share Consensus. Not counted in ClinVar's aggregate classification.

Department of Pathology and Laboratory Medicine, Sinai Health System
Classification: Benign for Carcinoma of colon. Review status: no assertion criteria provided. Collection method: clinical testing. Allele origin: unknown. Affected: yes. Study: The Canadian Open Genetics Repository (COGR). Not counted in ClinVar's aggregate classification.
Comment: The p.Asn751Asn variant is not expected to have clinical significance because it does not alter an amino acid residue and is not located near a splice site. In addition, this variant has been identified in dbSNP (rs2020913) as a polymorphism at about 1% frequency in a Yoruban cohort and in the exome variant server at an elevated frequency (~6 %) in African American individuals. In summary, based on this information this variant is considered benign.

Joint Genome Diagnostic Labs from Nijmegen and Maastricht, Radboudumc and MUMC+
Classification: Benign. Review status: no assertion criteria provided. Collection method: clinical testing. Allele origin: germline. Affected: yes. Study: VKGL Data-share Consensus. Not counted in ClinVar's aggregate classification.

Laboratory of Diagnostic Genome Analysis, Leiden University Medical Center (LUMC)
Classification: Benign. Review status: no assertion criteria provided. Collection method: clinical testing. Allele origin: germline. Affected: yes. Study: VKGL Data-share Consensus. Not counted in ClinVar's aggregate classification.

Mayo Clinic Laboratories, Mayo Clinic
Classification: Benign. Review status: no assertion criteria provided. Collection method: clinical testing. Allele origin: unknown. Not counted in ClinVar's aggregate classification.

Literature cited by the submitters: PubMed 10537275 (cited by Women's Health and Genetics/Laboratory Corporation of America, LabCorp); PubMed 16929514 (cited by Women's Health and Genetics/Laboratory Corporation of America, LabCorp).